The following is an entry in ClinVar:

NM_003718.5(CDK13):c.1663G>C (p.Asp555His)

Gene: CDK13 (cyclin dependent kinase 13; plus strand). Cytogenetic location: 7p14.1.
Variant type: single nucleotide variant.
Coding change: c.1663G>C on transcript NM_003718.5 (MANE Select); coding-DNA position 1663, G replaced by C.
Protein change: p.Asp555His; replaces aspartic acid 555 with histidine.
Molecular consequence: missense variant.
Genome position (GRCh38, 1-based): chr7:39,988,050, G>C. VCF-style: chr7-39988050-G-C. GRCh37 (hg19) VCF-style: chr7-40027649-G-C.
Other names: c.1663G>C, p.Asp555His (NM_031267.4); short protein forms D555H.
Identifiers: ClinVar variation 2702651 (VCV002702651.3), dbSNP rs2483754284, ClinGen allele CA367283757.

ClinVar aggregate classification (germline): Uncertain significance (1 of 4 stars; one submission).

Submission:

Labcorp Genetics (formerly Invitae), Labcorp
Classification: Uncertain significance. Last evaluated: 2023-12-13. Review status: criteria provided, single submitter. Criteria: Invitae Variant Classification Sherloc (09022015). Collection method: clinical testing. Allele origin: germline.
Comment: This sequence change replaces aspartic acid, which is acidic and polar, with histidine, which is basic and polar, at codon 555 of the CDK13 protein (p.Asp555His). This variant is not present in population databases (gnomAD no frequency). This variant has not been reported in the literature in individuals affected with CDK13-related conditions. Advanced modeling of protein sequence and biophysical properties (such as structural, functional, and spatial information, amino acid conservation, physicochemical variation, residue mobility, and thermodynamic stability) performed at Invitae indicates that this missense variant is not expected to disrupt CDK13 protein function with a negative predictive value of 80%. In summary, the available evidence is currently insufficient to determine the role of this variant in disease. Therefore, it has been classified as a Variant of Uncertain Significance.